The following is an entry in ClinVar:

ClinVar aggregate classification (germline): Conflicting classifications of pathogenicity. Review status: criteria provided, conflicting classifications (1 of 4 stars). 3 submissions from 3 submitters: Uncertain significance (2); Likely benign (1). Last evaluated 2025-07-31.

Conditions:
Hereditary cancer-predisposing syndrome. Also called: Tumor predisposition; Hereditary neoplastic syndrome; Neoplastic Syndromes, Hereditary; Hereditary Cancer Syndrome. Identifiers: Orphanet 140162, MedGen C0027672, MeSH D009386, MONDO:0015356.
Hereditary breast ovarian cancer syndrome. Also called: Hereditary breast and ovarian cancer; BRCA1- and BRCA2-Associated Hereditary Breast and Ovarian Cancer; Hereditary breast and/or ovarian cancer syndrome; Hereditary breast and ovarian cancer syndrome; Hereditary breast and ovarian cancer syndrome (HBOC); Breast and ovarian cancer. Identifiers: Orphanet 145, MedGen C0677776, MeSH D061325, MONDO:0003582. Disease mechanism: loss of function.

Submissions (3):

Labcorp Genetics (formerly Invitae), Labcorp
Classification: Uncertain significance for Hereditary breast ovarian cancer syndrome. Last evaluated: 2025-07-31. Review status: criteria provided, single submitter. Criteria: Invitae Variant Classification Sherloc (09022015). Collection method: clinical testing. Allele origin: germline.
Comment: This sequence change replaces serine, which is neutral and polar, with phenylalanine, which is neutral and non-polar, at codon 1079 of the BRCA2 protein (p.Ser1079Phe). This variant is not present in population databases (gnomAD no frequency). This variant has not been reported in the literature in individuals affected with BRCA2-related conditions. ClinVar contains an entry for this variant (Variation ID: 960007). Invitae Evidence Modeling of protein sequence and biophysical properties (such as structural, functional, and spatial information, amino acid conservation, physicochemical variation, residue mobility, and thermodynamic stability) indicates that this missense variant is not expected to disrupt BRCA2 protein function with a negative predictive value of 95%. In summary, the available evidence is currently insufficient to determine the role of this variant in disease. Therefore, it has been classified as a Variant of Uncertain Significance.

Ambry Genetics
Classification: Uncertain significance for Hereditary cancer-predisposing syndrome. Last evaluated: 2024-05-24. Review status: criteria provided, single submitter. Criteria: Ambry Variant Classification Scheme 2023. Collection method: clinical testing. Allele origin: germline.
Comment: The p.S1079F variant (also known as c.3236C>T), located in coding exon 10 of the BRCA2 gene, results from a C to T substitution at nucleotide position 3236. The serine at codon 1079 is replaced by phenylalanine, an amino acid with highly dissimilar properties. This amino acid position is conserved. In addition, this alteration is predicted to be tolerated by in silico analysis. Based on the available evidence, the clinical significance of this variant remains unclear.

University of Washington Department of Laboratory Medicine, University of Washington
Classification: Likely benign for Hereditary cancer-predisposing syndrome. Last evaluated: 2023-03-23. Review status: criteria provided, single submitter. Criteria: Dines et al. (Genet Med. 2020). Collection method: curation. Allele origin: germline.
Comment: Missense variant in a coldspot region where missense variants are very unlikely to be pathogenic (PMID:31911673).

BRCA2 exon 11 coldspot. Reclassification based on statistical prior probability.

NM_000059.4(BRCA2):c.3236C>T (p.Ser1079Phe)

Gene: BRCA2 (BRCA2 DNA repair associated; plus strand). Cytogenetic location: 13q13.1.
Variant type: single nucleotide variant.
Coding change: c.3236C>T on transcript NM_000059.4 (MANE Select); coding-DNA position 3236, C replaced by T.
Protein change: p.Ser1079Phe; replaces serine 1079 with phenylalanine.
Molecular consequence: missense variant.
Genome position (GRCh38, 1-based): chr13:32,337,591, C>T. VCF-style: chr13-32337591-C-T. GRCh37 (hg19) VCF-style: chr13-32911728-C-T.
Other names: short protein forms S1079F.
Identifiers: ClinVar variation 960007 (VCV000960007.13), dbSNP rs2072475650, ClinGen allele CA387775935.